The following is an entry in ClinVar:

ClinVar aggregate classification (germline): Uncertain significance (1 of 4 stars; one submission).

Conditions:
RASopathy. Also called: rasopathies; Noonan spectrum disorder. Identifiers: Orphanet 536391, MedGen C5555857, MONDO:0021060.

Allele frequency attached by ClinVar (database versions not stated): gnomAD exomes below 0.00001.
gnomAD v4.1: 1 of 1,614,148 alleles (0.000062%); highest among the groups gnomAD compares: Non-Finnish European, 0.000085%; no homozygotes.

Submission:

Labcorp Genetics (formerly Invitae), Labcorp
Classification: Uncertain significance for RASopathy. Last evaluated: 2025-12-19. Review status: criteria provided, single submitter. Criteria: Invitae Variant Classification Sherloc (09022015). Collection method: clinical testing. Allele origin: germline.
Comment: This sequence change replaces arginine, which is basic and polar, with glutamine, which is neutral and polar, at codon 164 of the RAF1 protein (p.Arg164Gln). This variant is not present in population databases (gnomAD no frequency). This variant has not been reported in the literature in individuals affected with RAF1-related conditions. ClinVar contains an entry for this variant (Variation ID: 2815827). Invitae Evidence Modeling incorporating data from in vitro experimental studies (internal data) indicates that this missense variant is not expected to disrupt RAF1 function with a negative predictive value of 95%. In summary, the available evidence is currently insufficient to determine the role of this variant in disease. Therefore, it has been classified as a Variant of Uncertain Significance.

NM_002880.4(RAF1):c.491G>A (p.Arg164Gln)

Gene: RAF1 (Raf-1 proto-oncogene, serine/threonine kinase; minus strand). Cytogenetic location: 3p25.2.
Variant type: single nucleotide variant.
Coding change: c.491G>A on transcript NM_002880.4 (MANE Select); coding-DNA position 491, G replaced by A.
Protein change: p.Arg164Gln; replaces arginine 164 with glutamine.
Molecular consequence: missense variant. On other transcripts: non-coding transcript variant (3).
Genome position (GRCh38, 1-based): chr3:12,608,856, C>T on the plus strand (G>A on the coding strand, the complement: RAF1 is on the minus strand). VCF-style: chr3-12608856-C-T. GRCh37 (hg19) VCF-style: chr3-12650355-C-T.
Other names: c.491G>A, p.Arg164Gln (NM_001354689.3, NM_001354690.3, NM_001354693.3); c.248G>A, p.Arg83Gln (NM_001354691.3, NM_001354692.3, NM_001354694.3 and 1 more transcripts); short protein forms R164Q, R83Q.
Identifiers: ClinVar variation 2815827 (VCV002815827.3), dbSNP rs2125416795, ClinGen allele CA351517104.